The following is an entry in ClinVar:

ClinVar aggregate classification (germline): Likely benign (1 of 4 stars; one submission).

Submission:

CeGaT Center for Human Genetics Tuebingen
Classification: Likely benign. Last evaluated: 2025-08-01. Review status: criteria provided, single submitter. Criteria: CeGaT Center For Human Genetics Tuebingen Variant Classification Criteria Version 2. Collection method: clinical testing. Allele origin: germline. Affected: yes. Observed: 1 variant allele.
Comment: NPRL3: BS1

NM_001077350.3(NPRL3):c.-67-34AGGCCCCCTCCGCCTCCGGCTCCGTCCTCCTC[3]

Genes: HBA-LCR (alpha-globin locus control region; plus strand), NPRL3 (NPR3 like, GATOR1 complex subunit; minus strand). Cytogenetic location: 16p13.3.
Variant type: Microsatellite.
Coding change: c.-67-34AGGCCCCCTCCGCCTCCGGCTCCGTCCTCCTC[3] on transcript NM_001077350.3 (MANE Select); three copies in a row of the 32-base unit AGGCCCCCTCCGCCTCCGGCTCCGTCCTCCTC starting at c.-67-34; the reference has two copies in a row; one copy, 32 bases duplicated.
Molecular consequence: splice acceptor variant. On other transcripts: 5 prime UTR variant (2), splice donor variant (1).
Genome position (GRCh38, 1-based): chr16:138,305-138,336, 32 bases duplicated; duplicating any 32 consecutive bases within chr16:138,305-138,378 gives the same sequence; the position shown is the placement nearest the transcript's 3' end. GRCh37 (hg19), VCF-style position (the base before the change): chr16:188,303.
Other names: c.-433AGGCCCCCTCCGCCTCCGGCTCCGTCCTCCTC[3] (NM_001039476.3); c.-79_-48CGTCCTCCTCAGGCCCCCTCCGCCTCCGGCTC[3] (NM_001243248.2); c.-101AGGCCCCCTCCGCCTCCGGCTCCGTCCTCCTC[3] (NM_001243249.2); c.-438-34AGGCCCCCTCCGCCTCCGGCTCCGTCCTCCTC[3] (NM_001243247.2).
Identifiers: ClinVar variation 4084650 (VCV004084650.8).